The following is an entry in ClinVar:

ClinVar aggregate classification (germline): Uncertain significance (1 of 4 stars; one submission).

Conditions:
Werner syndrome (WRN). Identifiers: Orphanet 902, MedGen C0043119, MONDO:0010196, OMIM 277700.

Submission:

Labcorp Genetics (formerly Invitae), Labcorp
Classification: Uncertain significance for Werner syndrome. Last evaluated: 2020-08-21. Review status: criteria provided, single submitter. Criteria: Invitae Variant Classification Sherloc (09022015). Collection method: clinical testing. Allele origin: germline.
Comment: This sequence change replaces cysteine with tyrosine at codon 103 of the WRN protein (p.Cys103Tyr). The cysteine residue is moderately conserved and there is a large physicochemical difference between cysteine and tyrosine. This variant is not present in population databases (ExAC no frequency). This variant has not been reported in the literature in individuals with WRN-related conditions. Algorithms developed to predict the effect of missense changes on protein structure and function are either unavailable or do not agree on the potential impact of this missense change (SIFT: "Not Available"; PolyPhen-2: "Probably Damaging"; Align-GVGD: "Not Available"). In summary, the available evidence is currently insufficient to determine the role of this variant in disease. Therefore, it has been classified as a Variant of Uncertain Significance.

NM_000553.6(WRN):c.308G>A (p.Cys103Tyr)

Gene: WRN (WRN RecQ like helicase; plus strand). Cytogenetic location: 8p12.
Variant type: single nucleotide variant.
Coding change: c.308G>A on transcript NM_000553.6 (MANE Select); coding-DNA position 308, G replaced by A.
Protein change: p.Cys103Tyr; replaces cysteine 103 with tyrosine.
Molecular consequence: missense variant.
Genome position (GRCh38, 1-based): chr8:31,064,387, G>A. VCF-style: chr8-31064387-G-A. GRCh37 (hg19) VCF-style: chr8-30921903-G-A.
Other names: short protein forms C103Y.
Identifiers: ClinVar variation 1044389 (VCV001044389.3), dbSNP rs1812613422, ClinGen allele CA370914311.